The following is an entry in ClinVar:

ClinVar aggregate classification (germline): Uncertain significance. Review status: criteria provided, multiple submitters, no conflicts (2 of 4 stars). 3 submissions from 3 submitters: Uncertain significance (3). Last evaluated 2025-06-17.

Conditions:
Malignant hyperthermia, susceptibility to, 5 (MHS5). Also called: CACNA1S-Related Malignant Hyperthermia Susceptibility. Identifiers: Orphanet 423, MedGen C1866077, MONDO:0011163, OMIM 601887.
Hypokalemic periodic paralysis, type 1. Also called: Hypokalemic Periodic Paralysis Type 1 (AD); HypoPP. Identifiers: Orphanet 681, MedGen C3714580, MONDO:0042979, OMIM 170400.
Congenital myopathy 18. Also called: Myopathy, congenital, due to dihydropyridine receptor defect; DIHYDROPYRIDINE RECEPTOR CONGENITAL MYOPATHY; DHPR CONGENITAL MYOPATHY. Identifiers: MedGen C5830283, MONDO:0859514, OMIM 620246.
Thyrotoxic periodic paralysis, susceptibility to, 1 (TTPP1). Identifiers: Orphanet 79102, MedGen C2749982, MONDO:0008570, OMIM 188580.

Submissions (3):

Color Diagnostics, LLC DBA Color Health
Classification: Uncertain significance for Malignant hyperthermia, susceptibility to, 5. Last evaluated: 2025-06-17. Review status: criteria provided, single submitter. Criteria: ACMG Guidelines, 2015. Collection method: clinical testing. Allele origin: germline.
Comment: This missense variant replaces aspartic acid with asparagine at codon 1082 of the CACNA1S protein. Computational prediction suggests that this variant may not impact protein structure and function. To our knowledge, functional studies have not been reported for this variant. This variant has not been reported in individuals affected with CACNA1S-related disorders in the literature. This variant has been identified in 1/251402 chromosomes in the general population by the Genome Aggregation Database (gnomAD). The available evidence is insufficient to determine the role of this variant in disease conclusively. Therefore, this variant is classified as a Variant of Uncertain Significance.

GeneDx
Classification: Uncertain significance. Last evaluated: 2025-03-05. Review status: criteria provided, single submitter. Criteria: GeneDx Variant Classification Process June 2021. Collection method: clinical testing. Allele origin: germline. Affected: yes.
Comment: Not observed at significant frequency in large population cohorts (gnomAD); In silico analysis supports that this missense variant has a deleterious effect on protein structure/function; Has not been previously published as pathogenic or benign to our knowledge

Fulgent Genetics
Classification: Uncertain significance for Hypokalemic periodic paralysis, type 1; Thyrotoxic periodic paralysis, susceptibility to, 1; Malignant hyperthermia, susceptibility to, 5; Congenital myopathy 18. Last evaluated: 2024-04-12. Review status: criteria provided, single submitter. Criteria: ACMG Guidelines, 2015. Collection method: clinical testing. Allele origin: germline.

NM_000069.3(CACNA1S):c.3244G>A (p.Asp1082Asn)

Gene: CACNA1S (calcium voltage-gated channel subunit alpha1 S; minus strand). Cytogenetic location: 1q32.1.
Variant type: single nucleotide variant.
Coding change: c.3244G>A on transcript NM_000069.3 (MANE Select); coding-DNA position 3244, G replaced by A.
Protein change: p.Asp1082Asn; replaces aspartic acid 1082 with asparagine.
Molecular consequence: missense variant.
Genome position (GRCh38, 1-based): chr1:201,061,278, C>T on the plus strand (G>A on the coding strand, the complement: CACNA1S is on the minus strand). VCF-style: chr1-201061278-C-T. GRCh37 (hg19) VCF-style: chr1-201030406-C-T.
Other names: c.3244G>A (NM_000069.2); short protein forms D1082N.
Identifiers: ClinVar variation 3577101 (VCV003577101.3).
Genomic context (GRCh38, chr1:201,061,278, plus strand): 5'-GAGGCCTGCTGGAGCTCTGCCCTCCACCTCTGGCAGGCAGCCCAGGCACCTGGTTCTTGT[C>T]CAGCTCACAGTTCTTGTACTCAGTCTCTCCCTGCTCCTGGAAGGTGACAATGACGAAGCC-3'
Protein context (NP_000060.2, residues 1072-1092): GETEYKNCEL[Asp1082Asn]KNQRQCVQYA